The following is an entry in ClinVar:

ClinVar aggregate classification (germline): Uncertain significance (1 of 4 stars; one submission).

Submission:

Labcorp Genetics (formerly Invitae), Labcorp
Classification: Uncertain significance. Last evaluated: 2022-10-13. Review status: criteria provided, single submitter. Criteria: Invitae Variant Classification Sherloc (09022015). Collection method: clinical testing. Allele origin: germline.
Comment: Algorithms developed to predict the effect of missense changes on protein structure and function (SIFT, PolyPhen-2, Align-GVGD) all suggest that this variant is likely to be disruptive. In summary, the available evidence is currently insufficient to determine the role of this variant in disease. Therefore, it has been classified as a Variant of Uncertain Significance. This variant has not been reported in the literature in individuals affected with KIDINS220-related conditions. This variant is not present in population databases (gnomAD no frequency). This sequence change replaces glycine, which is neutral and non-polar, with valine, which is neutral and non-polar, at codon 463 of the KIDINS220 protein (p.Gly463Val).

NM_020738.4(KIDINS220):c.1388G>T (p.Gly463Val)

Gene: KIDINS220 (kinase D interacting substrate 220; minus strand). Cytogenetic location: 2p25.1.
Variant type: single nucleotide variant.
Coding change: c.1388G>T on transcript NM_020738.4 (MANE Select); coding-DNA position 1388, G replaced by T.
Protein change: p.Gly463Val; replaces glycine 463 with valine.
Molecular consequence: missense variant. On other transcripts: non-coding transcript variant (2).
Genome position (GRCh38, 1-based): chr2:8,791,113, C>A on the plus strand (G>T on the coding strand, the complement: KIDINS220 is on the minus strand). VCF-style: chr2-8791113-C-A. GRCh37 (hg19) VCF-style: chr2-8931243-C-A.
Other names: c.1391G>T, p.Gly464Val (NM_001348729.2, NM_001348731.2, NM_001348734.2 and 3 more transcripts); c.1388G>T, p.Gly463Val (NM_001348732.2, NM_001348735.2, NM_001348738.2 and 3 more transcripts); c.1262G>T, p.Gly421Val (NM_001348736.2); short protein forms G421V, G463V, G464V.
Identifiers: ClinVar variation 2016141 (VCV002016141.4), dbSNP rs2528048853, ClinGen allele CA345768236.